The following is an entry in ClinVar:

ClinVar aggregate classification (germline): Pathogenic/Likely pathogenic. Review status: criteria provided, multiple submitters, no conflicts (2 of 4 stars). 2 submissions from 2 submitters: Pathogenic (1); Likely pathogenic (1). Last evaluated 2024-02-12.

Conditions:
X-linked Alport syndrome (ATS1). Also called: NEPHROPATHY AND DEAFNESS, X-LINKED; COL4A5-Related Nephropathy. Identifiers: Orphanet 63, Orphanet 88917, MedGen C4746986, MONDO:0010520, OMIM 301050.

Submissions (2):

Fulgent Genetics
Classification: Likely pathogenic for X-linked Alport syndrome. Last evaluated: 2024-02-12. Review status: criteria provided, single submitter. Criteria: ACMG Guidelines, 2015. Collection method: clinical testing. Allele origin: germline.

Labcorp Genetics (formerly Invitae), Labcorp
Classification: Pathogenic. Last evaluated: 2024-01-11. Review status: criteria provided, single submitter. Criteria: Invitae Variant Classification Sherloc (09022015). Collection method: clinical testing. Allele origin: germline.
Comment: This sequence change creates a premature translational stop signal (p.Gly558Glufs*57) in the COL4A5 gene. It is expected to result in an absent or disrupted protein product. Loss-of-function variants in COL4A5 are known to be pathogenic (PMID: 9195222, 10752524, 14514738, 24854265, 26809805). This variant is not present in population databases (gnomAD no frequency). This variant has not been reported in the literature in individuals affected with COL4A5-related conditions. For these reasons, this variant has been classified as Pathogenic.

Literature cited by the submitters: PubMed 9195222 (cited by Labcorp Genetics (formerly Invitae), Labcorp); PubMed 10752524 (cited by Labcorp Genetics (formerly Invitae), Labcorp); PubMed 14514738 (cited by Labcorp Genetics (formerly Invitae), Labcorp); PubMed 24854265 (cited by Labcorp Genetics (formerly Invitae), Labcorp); PubMed 26809805 (cited by Labcorp Genetics (formerly Invitae), Labcorp).

NM_033380.3(COL4A5):c.1673_1682del (p.Gly558fs)

Gene: COL4A5 (collagen type IV alpha 5 chain; plus strand). Cytogenetic location: Xq22.3.
Variant type: Deletion.
Coding change: c.1673_1682del on transcript NM_033380.3 (MANE Select); coding-DNA positions 1673 to 1682, 10 bases deleted (GTGACAAAGG; older notation c.1673_1682delGTGACAAAGG).
Protein change: p.Gly558fs; shifts the reading frame from glycine 558.
Molecular consequence: frameshift variant.
Genome position (GRCh38, 1-based): chrX:108,597,462-108,597,471, GTGACAAAGG deleted; deleting any 10 consecutive bases within chrX:108,597,458-108,597,471 gives the same sequence; the c. name uses the placement nearest the transcript's 3' end. VCF-style (leftmost placement, unchanged base first): chrX-108597457-GAAGGGTGACA-G. GRCh37 (hg19) VCF-style: chrX-107840687-GAAGGGTGACA-G.
Other names: c.1673_1682del, p.Gly558fs (NM_000495.5); short protein forms G558fs.
Identifiers: ClinVar variation 2709046 (VCV002709046.4), dbSNP rs2524308291, ClinGen allele CA2697544713.